The following is an entry in ClinVar:

ClinVar aggregate classification (germline): Conflicting classifications of pathogenicity. Review status: criteria provided, conflicting classifications (1 of 4 stars). 9 submissions from 9 submitters: Uncertain significance (5); Likely benign (4). Last evaluated 2026-09-01.

Conditions:
Inborn genetic diseases. Identifiers: MedGen C0950123, MeSH D030342.
Autosomal recessive distal spinal muscular atrophy 1. Also called: NEURONOPATHY, DISTAL HEREDITARY MOTOR, HARDING TYPE VI; NEUROPATHY, DISTAL HEREDITARY MOTOR, AUTOSOMAL RECESSIVE 1; NEURONOPATHY, SEVERE INFANTILE AXONAL, WITH RESPIRATORY FAILURE; SEVERE INFANTILE AXONAL NEUROPATHY WITH RESPIRATORY FAILURE; SPINAL MUSCULAR ATROPHY, DIAPHRAGMATIC; HMN VI. Identifiers: Orphanet 98920, MedGen C1858517, MONDO:0011436, OMIM 604320.
Charcot-Marie-Tooth disease axonal type 2S. Also called: CHARCOT-MARIE-TOOTH NEUROPATHY, TYPE 2S; CHARCOT-MARIE-TOOTH DISEASE, AXONAL, AUTOSOMAL RECESSIVE, TYPE 2S. Identifiers: Orphanet 443073, MedGen C4015349, MONDO:0014511, OMIM 616155.
Charcot-Marie-Tooth disease. Also called: Charcot-Marie-Tooth Hereditary Neuropathy; Charcot-Marie-Tooth Neuropathy. Identifiers: Orphanet 166, MedGen C0007959, MONDO:0015626.
IGHMBP2-related disorder. Also called: IGHMBP2-related disorders; IGHMBP2-related condition.

Allele frequency attached by ClinVar (database versions not stated): TOPMed 0.00018; ESP Exome Variant Server 0.00038; gnomAD exomes 0.00039 and 0.00058; gnomAD 0.00042 and 0.00044; ExAC 0.00056.
gnomAD v4.1: 632 of 1,614,068 alleles (0.039%); highest among the groups gnomAD compares: Non-Finnish European, 0.037%; 1 homozygote.

Submissions (9):

CeGaT Center for Human Genetics Tuebingen
Classification: Likely benign. Last evaluated: 2026-09-01. Review status: criteria provided, single submitter. Criteria: CeGaT Center For Human Genetics Tuebingen Variant Classification Criteria Version 2. Collection method: clinical testing. Allele origin: germline. Affected: yes. Observed: 4 variant alleles.
Comment: IGHMBP2: BS1

PreventionGenetics, part of Exact Sciences
Classification: Uncertain significance for IGHMBP2-related condition. Last evaluated: 2026-03-02. Review status: criteria provided, single submitter. Criteria: ACMG Guidelines, 2015. Collection method: clinical testing. Allele origin: germline.
Comment: The IGHMBP2 c.165G>C variant is predicted to result in the amino acid substitution p.Gln55His. This variant was reported in three individuals with a suspected diagnosis of Charcot-Marie-Tooth (CMT) disease (Supplementary Table 2, Volodarsky et al. 2021. PubMed ID: 32376792). This variant is reported in 0.24% of alleles in individuals of European (Finnish) descent in gnomAD. Although we suspect that this variant may benign, at this time, the clinical significance of this variant is uncertain due to the absence of conclusive functional and genetic evidence.

Labcorp Genetics (formerly Invitae), Labcorp
Classification: Likely benign for Autosomal recessive distal spinal muscular atrophy 1; Charcot-Marie-Tooth disease axonal type 2S. Last evaluated: 2026-01-26. Review status: criteria provided, single submitter. Criteria: Invitae Variant Classification Sherloc (09022015). Collection method: clinical testing. Allele origin: germline.

Mayo Clinic Laboratories, Mayo Clinic
Classification: Uncertain significance. Last evaluated: 2025-02-26. Review status: criteria provided, single submitter. Criteria: ACMG Guidelines, 2015. Collection method: clinical testing. Allele origin: germline. Observed: 3 variant alleles.
Comment: BS1

Ambry Genetics
Classification: Uncertain significance for Inborn genetic diseases. Last evaluated: 2022-05-10. Review status: criteria provided, single submitter. Criteria: Ambry Variant Classification Scheme 2023. Collection method: clinical testing. Allele origin: germline.
Comment: The p.Q55H variant (also known as c.165G>C), located in coding exon 2 of the IGHMBP2 gene, results from a G to C substitution at nucleotide position 165. The glutamine at codon 55 is replaced by histidine, an amino acid with highly similar properties. This amino acid position is highly conserved in available vertebrate species. In addition, the in silico prediction for this alteration is inconclusive. Since supporting evidence is limited at this time, the clinical significance of this alteration remains unclear.

Women's Health and Genetics/Laboratory Corporation of America, LabCorp
Classification: Likely benign. Last evaluated: 2022-03-08. Review status: criteria provided, single submitter. Criteria: LabCorp Variant Classification Summary - May 2015. Collection method: clinical testing. Allele origin: germline.
Comment: Variant summary: IGHMBP2 c.165G>C (p.Gln55His) results in a non-conservative amino acid change in the encoded protein sequence. Four of five in-silico tools predict a damaging effect of the variant on protein function. The variant allele was found at a frequency of 0.00058 in 251490 control chromosomes in the gnomAD database, including 1 homozygote. This frequency is not significantly higher than expected for a pathogenic variant in IGHMBP2 causing Charcot-Marie-Tooth Disease, Axonal, Type 2S, allowing no conclusion about variant significance. Although reported as a VUS in settings of multigene panel testing among cohorts of individuals with suspected Charcot-Marie-Tooth (CMT) disease (example, Volodarsky_2021), to our knowledge, no penetrant association of c.165G>C in individuals affected with Charcot-Marie-Tooth Disease, Axonal, Type 2S and no experimental evidence demonstrating its impact on protein function have been reported. Four clinical diagnostic laboratories have submitted clinical-significance assessments for this variant to ClinVar after 2014 without evidence for independent evaluation. Multiple laboratories reported the variant with conflicting assessments. Based on the evidence outlined above, the variant was classified as likely benign.

GeneDx
Classification: Likely benign. Last evaluated: 2021-02-22. Review status: criteria provided, single submitter. Criteria: GeneDx Variant Classification Process June 2021. Collection method: clinical testing. Allele origin: germline. Affected: yes.
Comment: This variant is associated with the following publications: (PMID: 25025039, 32376792)

Revvity Omics, Revvity
Classification: Uncertain significance. Last evaluated: 2020-01-10. Review status: criteria provided, single submitter. Criteria: ACMG Guidelines, 2015. Collection method: clinical testing. Allele origin: germline.

Molecular Genetics Laboratory, London Health Sciences Centre
Classification: Uncertain significance for Charcot-Marie-Tooth disease. Review status: criteria provided, single submitter. Criteria: ACMG Guidelines, 2015. Collection method: clinical testing. Allele origin: germline. Affected: yes.

Literature cited by the submitters: PubMed 32376792 (cited by Mayo Clinic Laboratories, Mayo Clinic and Women's Health and Genetics/Laboratory Corporation of America, LabCorp).

NM_002180.3(IGHMBP2):c.165G>C (p.Gln55His)

Gene: IGHMBP2 (immunoglobulin mu DNA binding protein 2; plus strand). Cytogenetic location: 11q13.3.
Variant type: single nucleotide variant.
Coding change: c.165G>C on transcript NM_002180.3 (MANE Select); coding-DNA position 165, G replaced by C.
Protein change: p.Gln55His; replaces glutamine 55 with histidine.
Molecular consequence: missense variant.
Genome position (GRCh38, 1-based): chr11:68,906,147, G>C. VCF-style: chr11-68906147-G-C. GRCh37 (hg19) VCF-style: chr11-68673615-G-C.
Other names: short protein forms Q55H.
Identifiers: ClinVar variation 426960 (VCV000426960.71), dbSNP rs201692151, ClinGen allele CA6153203.